The following is an entry in ClinVar:

ClinVar aggregate classification (germline): Uncertain significance (1 of 4 stars; one submission).

Conditions:
Hereditary cancer-predisposing syndrome. Also called: Neoplastic Syndromes, Hereditary; Tumor predisposition; Hereditary neoplastic syndrome; Hereditary Cancer Syndrome. Identifiers: Orphanet 140162, MedGen C0027672, MeSH D009386, MONDO:0015356.
Familial thoracic aortic aneurysm and aortic dissection (TAAD). Also called: Thoracic aortic aneurysms and dissections. Identifiers: Orphanet 91387, MedGen C4707243, MONDO:0019625.

Submission:

Ambry Genetics
Classification: Uncertain significance for Hereditary cancer-predisposing syndrome; Familial thoracic aortic aneurysm and aortic dissection. Last evaluated: 2024-01-16. Review status: criteria provided, single submitter. Criteria: Ambry Variant Classification Scheme 2023. Collection method: clinical testing. Allele origin: germline.
Comment: The p.H283L variant (also known as c.848A>T), located in coding exon 6 of the SMAD4 gene, results from an A to T substitution at nucleotide position 848. The histidine at codon 283 is replaced by leucine, an amino acid with similar properties. This amino acid position is conserved. In addition, this alteration is predicted to be deleterious by in silico analysis. Based on the available evidence, the clinical significance of this alteration remains unclear.

NM_005359.6(SMAD4):c.848A>T (p.His283Leu)

Gene: SMAD4 (SMAD family member 4; plus strand). Cytogenetic location: 18q21.2.
Variant type: single nucleotide variant.
Coding change: c.848A>T on transcript NM_005359.6 (MANE Select); coding-DNA position 848, A replaced by T.
Protein change: p.His283Leu; replaces histidine 283 with leucine.
Molecular consequence: missense variant. On other transcripts: non-coding transcript variant (2).
Genome position (GRCh38, 1-based): chr18:51,058,400, A>T. VCF-style: chr18-51058400-A-T. GRCh37 (hg19) VCF-style: chr18-48584770-A-T.
Other names: c.848A>T, p.His283Leu (NM_001407041.1, NM_001407042.1, NM_001407043.1); short protein forms H283L.
Identifiers: ClinVar variation 3238432 (VCV003238432.1), dbSNP rs1599189815.